The following is an entry in ClinVar:

ClinVar aggregate classification (germline): Conflicting classifications of pathogenicity. Review status: criteria provided, conflicting classifications (1 of 4 stars). 5 submissions from 5 submitters: Uncertain significance (2); Likely benign (2). 1 of the submissions does not count toward it. Last evaluated 2026-07-20.

Conditions:
Lynch syndrome 5 (LYNCH5). Also called: Hereditary non-polyposis colorectal cancer, type 5; Colorectal cancer, hereditary nonpolyposis, type 5. Identifiers: Orphanet 144, MedGen C1833477, MONDO:0013710, OMIM 614350. Disease mechanism: loss of function.
Hereditary nonpolyposis colorectal neoplasms. Identifiers: MedGen C0009405, MeSH D003123.
Hereditary cancer-predisposing syndrome. Also called: Neoplastic Syndromes, Hereditary; Hereditary Cancer Syndrome; Tumor predisposition; Hereditary neoplastic syndrome. Identifiers: Orphanet 140162, MedGen C0027672, MeSH D009386, MONDO:0015356.

Allele frequency attached by ClinVar (database versions not stated): ExAC 0.00001; gnomAD exomes 0.00001.
gnomAD v4.1: 20 of 1,614,132 alleles (0.0012%); highest among the groups gnomAD compares: Non-Finnish European, 0.0017%; no homozygotes.

Submissions (5):

Ambry Genetics
Classification: Likely benign for Hereditary cancer-predisposing syndrome. Last evaluated: 2026-07-20. Review status: criteria provided, single submitter. Criteria: Ambry Variant Classification Scheme 2023. Collection method: clinical testing. Allele origin: germline.

Labcorp Genetics (formerly Invitae), Labcorp
Classification: Likely benign for Hereditary nonpolyposis colorectal neoplasms. Last evaluated: 2025-05-08. Review status: criteria provided, single submitter. Criteria: Invitae Variant Classification Sherloc (09022015). Collection method: clinical testing. Allele origin: germline.

Color Diagnostics, LLC DBA Color Health
Classification: Uncertain significance for Hereditary cancer-predisposing syndrome. Last evaluated: 2024-03-06. Review status: criteria provided, single submitter. Criteria: ACMG Guidelines, 2015. Collection method: clinical testing. Allele origin: germline.
Comment: This missense variant replaces serine with asparagine at codon 314 of the MSH6 protein. Computational prediction suggests that this variant may not impact protein structure and function (internally defined REVEL score threshold <= 0.5, PMID: 27666373). Splice site prediction tools suggest that this variant may not impact RNA splicing. To our knowledge, functional studies have not been reported for this variant. This variant has not been reported in individuals affected with hereditary cancer in the literature. This variant has been identified in 2/251268 chromosomes in the general population by the Genome Aggregation Database (gnomAD). The available evidence is insufficient to determine the role of this variant in disease conclusively. Therefore, this variant is classified as a Variant of Uncertain Significance.

Myriad Genetics, Inc.
Classification: Uncertain significance for Lynch syndrome 5. Last evaluated: 2023-03-27. Review status: criteria provided, single submitter. Criteria: Myriad Autosomal Dominant, Autosomal Recessive and X-Linked Classification Criteria (2023). Collection method: clinical testing. Allele origin: unknown.
Comment: This variant is classified as a variant of uncertain significance as there is insufficient evidence to determine its impact on protein function and/or cancer risk.

Counsyl
Classification: Uncertain significance for Lynch syndrome 5. Last evaluated: 2015-11-17. Review status: no assertion criteria provided. Collection method: clinical testing. Allele origin: unknown. Not counted in ClinVar's aggregate classification.

NM_000179.3(MSH6):c.941G>A (p.Ser314Asn)

Gene: MSH6 (mutS homolog 6; plus strand). Cytogenetic location: 2p16.3.
Variant type: single nucleotide variant.
Coding change: c.941G>A on transcript NM_000179.3 (MANE Select); coding-DNA position 941, G replaced by A.
Protein change: p.Ser314Asn; replaces serine 314 with asparagine.
Molecular consequence: missense variant.
Genome position (GRCh38, 1-based): chr2:47,798,924, G>A. VCF-style: chr2-47798924-G-A. GRCh37 (hg19) VCF-style: chr2-48026063-G-A.
Other names: c.551G>A, p.Ser184Asn (NM_001281492.2); c.35G>A, p.Ser12Asn (NM_001281493.2, NM_001281494.2); short protein forms S314N, S12N, S184N.
Identifiers: ClinVar variation 371790 (VCV000371790.26), dbSNP rs760100983, ClinGen allele CA073598.